The following is an entry in ClinVar:

NM_014714.4(IFT140):c.4273C>T (p.Arg1425Trp)

Gene: IFT140 (intraflagellar transport 140; minus strand). Cytogenetic location: 16p13.3.
Variant type: single nucleotide variant.
Coding change: c.4273C>T on transcript NM_014714.4 (MANE Select); coding-DNA position 4273, C replaced by T.
Protein change: p.Arg1425Trp; replaces arginine 1425 with tryptophan.
Molecular consequence: missense variant.
Genome position (GRCh38, 1-based): chr16:1,511,060, G>A on the plus strand (C>T on the coding strand, the complement: IFT140 is on the minus strand). VCF-style: chr16-1511060-G-A. GRCh37 (hg19) VCF-style: chr16-1561061-G-A.
Other names: short protein forms R1425W.
Identifiers: ClinVar variation 934789 (VCV000934789.10), dbSNP rs138697817, ClinGen allele CA7812803.
Genomic context (GRCh38, chr16:1,511,060, plus strand): 5'-CCATGCTGTTGTGGCGGACCTGCTCGGGGACGGTGCGTGGCAGTGGGAGACCCAGCCCCC[G>A]GTGCACGGCGTCCACGGCCTGCGGGCTCACGTAGTAGGACATGTTGGCCAAGGGAAGCCG-3'
Protein context (NP_055529.2, residues 1415-1435): VSPQAVDAVH[Arg1425Trp]GLGLPLPRTV

ClinVar aggregate classification (germline): Uncertain significance. Review status: criteria provided, multiple submitters, no conflicts (2 of 4 stars). 4 submissions from 4 submitters: Uncertain significance (4). Last evaluated 2025-04-20.

Conditions:
Inborn genetic diseases. Identifiers: MedGen C0950123, MeSH D030342.
Retinitis pigmentosa 80 (RP80). Identifiers: MedGen C4540439, MONDO:0054708, OMIM 617781.
Saldino-Mainzer syndrome (SRTD9). Also called: Renal dysplasia, retinal pigmentary dystrophy, cerebellar ataxia and skeletal dysplasia; CONORENAL SYNDROME; short-rib thoracic dysplasia 9 with or without polydactyly; SHORT-RIB THORACIC DYSPLASIA 9 WITHOUT POLYDACTYLY. Identifiers: Orphanet 140969, MedGen C1849437, MONDO:0009964, OMIM 266920.

gnomAD v4.1: 57 of 1,607,486 alleles (0.0035%); highest among the groups gnomAD compares: Non-Finnish European, 0.0043%; no homozygotes.

Submissions (4):

Ambry Genetics
Classification: Uncertain significance for Inborn genetic diseases. Last evaluated: 2025-04-20. Review status: criteria provided, single submitter. Criteria: Ambry Variant Classification Scheme 2023. Collection method: clinical testing. Allele origin: germline.

Labcorp Genetics (formerly Invitae), Labcorp
Classification: Uncertain significance for Saldino-Mainzer syndrome. Last evaluated: 2025-03-31. Review status: criteria provided, single submitter. Criteria: Invitae Variant Classification Sherloc (09022015). Collection method: clinical testing. Allele origin: germline.
Comment: This sequence change replaces arginine, which is basic and polar, with tryptophan, which is neutral and slightly polar, at codon 1425 of the IFT140 protein (p.Arg1425Trp). This variant is present in population databases (rs138697817, gnomAD 0.003%). This variant has not been reported in the literature in individuals affected with IFT140-related conditions. ClinVar contains an entry for this variant (Variation ID: 934789). Invitae Evidence Modeling of protein sequence and biophysical properties (such as structural, functional, and spatial information, amino acid conservation, physicochemical variation, residue mobility, and thermodynamic stability) indicates that this missense variant is not expected to disrupt IFT140 protein function with a negative predictive value of 80%. In summary, the available evidence is currently insufficient to determine the role of this variant in disease. Therefore, it has been classified as a Variant of Uncertain Significance.

Blueprint Genetics
Classification: Uncertain significance. Last evaluated: 2024-10-22. Review status: criteria provided, single submitter. Criteria: ACMG Guidelines, 2015. Collection method: clinical testing. Allele origin: germline.

Fulgent Genetics
Classification: Uncertain significance for Saldino-Mainzer syndrome; Retinitis pigmentosa 80. Last evaluated: 2021-12-23. Review status: criteria provided, single submitter. Criteria: ACMG Guidelines, 2015. Collection method: clinical testing. Allele origin: unknown.